The following is an entry in ClinVar:

NM_005430.4(WNT1):c.102G>A (p.Trp34Ter)

Gene: WNT1 (Wnt family member 1; plus strand). Cytogenetic location: 12q13.12.
Variant type: single nucleotide variant.
Coding change: c.102G>A on transcript NM_005430.4 (MANE Select); coding-DNA position 102, G replaced by A.
Protein change: p.Trp34Ter; replaces tryptophan 34 with a stop codon.
Molecular consequence: nonsense.
Genome position (GRCh38, 1-based): chr12:48,978,752, G>A. VCF-style: chr12-48978752-G-A. GRCh37 (hg19) VCF-style: chr12-49372535-G-A.
Other names: short protein forms W34*.
Identifiers: ClinVar variation 2746657 (VCV002746657.3), dbSNP rs2498945327, ClinGen allele CA384626641.

ClinVar aggregate classification (germline): Pathogenic (1 of 4 stars; one submission).

Allele frequency attached by ClinVar (database versions not stated): gnomAD exomes below 0.00001.

Submission:

Labcorp Genetics (formerly Invitae), Labcorp
Classification: Pathogenic. Last evaluated: 2023-10-09. Review status: criteria provided, single submitter. Criteria: Invitae Variant Classification Sherloc (09022015). Collection method: clinical testing. Allele origin: germline.
Comment: This sequence change creates a premature translational stop signal (p.Trp34*) in the WNT1 gene. It is expected to result in an absent or disrupted protein product. Loss-of-function variants in WNT1 are known to be pathogenic (PMID: 23434763, 23499309). This variant is not present in population databases (gnomAD no frequency). This variant has not been reported in the literature in individuals affected with WNT1-related conditions. For these reasons, this variant has been classified as Pathogenic.

Literature cited by the submitters: PubMed 23434763; PubMed 23499309.